The following is an entry in ClinVar:

NM_014249.4(NR2E3):c.788T>C (p.Leu263Pro)

Gene: NR2E3 (nuclear receptor subfamily 2 group E member 3; plus strand). Cytogenetic location: 15q23.
Variant type: single nucleotide variant.
Coding change: c.788T>C on transcript NM_014249.4 (MANE Select); coding-DNA position 788, T replaced by C.
Protein change: p.Leu263Pro; replaces leucine 263 with proline.
Molecular consequence: missense variant.
Genome position (GRCh38, 1-based): chr15:71,813,429, T>C. VCF-style: chr15-71813429-T-C. GRCh37 (hg19) VCF-style: chr15-72105769-T-C.
Other names: c.788T>C, p.Leu263Pro (NM_016346.4); short protein forms L263P.
Identifiers: ClinVar variation 1001885 (VCV001001885.11), dbSNP rs2054201996, ClinGen allele CA393036392.
Genomic context (GRCh38, chr15:71,813,429, plus strand): 5'-GCACCCCTGTCTGAGCACAGGTGATCCTGCTGGAAGAGGCGTGGAGTGAACTCTTTCTCC[T>C]CGGGGCCATCCAGTGGTCTCTGCCTCTGGACAGCTGTCCTCTGCTGGCACCGCCCGAGGC-3'
Protein context (NP_055064.1, residues 253-273): LEEAWSELFL[Leu263Pro]GAIQWSLPLD

ClinVar aggregate classification (germline): Conflicting classifications of pathogenicity. Review status: criteria provided, conflicting classifications (1 of 4 stars). 4 submissions from 4 submitters: Likely pathogenic (2); Uncertain significance (2). Last evaluated 2026-06-19.

Conditions:
ENHANCED S-CONE SYNDROME 1 (ESCS1). Also called: RETINOSCHISIS WITH EARLY HEMERALOPIA; FAVRE HYALOIDEORETINAL DEGENERATION. Identifiers: MedGen CN380299, OMIM 268100.
Enhanced S-cone syndrome (ESCS). Identifiers: Orphanet 53540, MedGen C1849394, MONDO:0100288, MONDO:0009989.

Allele frequency attached by ClinVar (database versions not stated): gnomAD exomes below 0.00001; gnomAD 0.00001.
gnomAD v4.1: 3 of 1,610,742 alleles (0.00019%); highest among the groups gnomAD compares: Admixed American, 0.0017%; no homozygotes.

Submissions (4):

Myriad Genetics, Inc.
Classification: Likely pathogenic for ENHANCED S-CONE SYNDROME 1. Last evaluated: 2026-06-19. Review status: criteria provided, single submitter. Criteria: Myriad Autosomal Dominant, Autosomal Recessive and X-Linked Classification Criteria (2023). Collection method: clinical testing. Allele origin: unknown.
Comment: NM_014249.2(NR2E3):c.788T>C(L263P) is a missense variant classified as likely pathogenic in the context of enhanced S-cone syndrome. L263P has been observed in cases with relevant disease (PMID: 15459973, 29971438). Relevant functional assessments of this variant are available in the literature (PMID: 25703721, 19898638). L263P has not been observed in referenced population frequency databases. In summary, NM_014249.2(NR2E3):c.788T>C(L263P) is a missense variant that has functional support for pathogenicity and has been observed more frequently in cases with the relevant disease than in healthy populations. Please note: this variant was assessed in the context of healthy population screening.

Women's Health and Genetics/Laboratory Corporation of America, LabCorp
Classification: Uncertain significance. Last evaluated: 2025-05-30. Review status: criteria provided, single submitter. Criteria: LabCorp Variant Classification Summary - May 2015. Collection method: clinical testing. Allele origin: germline.
Comment: Variant summary: NR2E3 c.788T>C (p.Leu263Pro) results in a non-conservative amino acid change in the encoded protein sequence. Algorithms developed to predict the effect of missense changes on protein structure and function are either unavailable or do not agree on the potential impact of this missense change. The variant was absent in 240388 control chromosomes. The available data on variant occurrences in the general population are insufficient to allow any conclusion about variant significance. c.788T>C has been observed in individual(s) affected with Enhanced S Cone Syndrome (example: Wright_2004). These data do not allow any conclusion about variant significance. Experimental studies have shown that this variant change the affects NR2E3 protein function (von Alpen_2015, Kanda_2009). The following publications have been ascertained in the context of this evaluation (PMID: 15459973, 19898638, 25703721). ClinVar contains an entry for this variant (Variation ID: 1001885). Based on the evidence outlined above, the variant was classified as uncertain significance.

Baylor Genetics
Classification: Likely pathogenic for ENHANCED S-CONE SYNDROME 1. Last evaluated: 2023-11-14. Review status: criteria provided, single submitter. Criteria: ACMG Guidelines, 2015. Collection method: clinical testing. Allele origin: unknown.

Labcorp Genetics (formerly Invitae), Labcorp
Classification: Uncertain significance. Last evaluated: 2023-08-04. Review status: criteria provided, single submitter. Criteria: Invitae Variant Classification Sherloc (09022015). Collection method: clinical testing. Allele origin: germline.
Comment: In summary, the available evidence is currently insufficient to determine the role of this variant in disease. Therefore, it has been classified as a Variant of Uncertain Significance. Experimental studies have shown that this missense change affects NR2E3 function (PMID: 19898638, 24069298, 25703721). Advanced modeling of protein sequence and biophysical properties (such as structural, functional, and spatial information, amino acid conservation, physicochemical variation, residue mobility, and thermodynamic stability) performed at Invitae indicates that this missense variant is expected to disrupt NR2E3 protein function. ClinVar contains an entry for this variant (Variation ID: 1001885). This missense change has been observed in individual(s) with autosomal recessive enhanced S-cone syndrome (PMID: 15459973). This variant is not present in population databases (gnomAD no frequency). This sequence change replaces leucine, which is neutral and non-polar, with proline, which is neutral and non-polar, at codon 263 of the NR2E3 protein (p.Leu263Pro).

Literature cited by the submitters: PubMed 15459973 (cited by 3 submitters); PubMed 19898638 (cited by 3 submitters); PubMed 25703721 (cited by 3 submitters); PubMed 29971438 (cited by Myriad Genetics, Inc.); PubMed 24069298 (cited by Labcorp Genetics (formerly Invitae), Labcorp).